The following is an entry in ClinVar:

ClinVar aggregate classification (germline): Uncertain significance (1 of 4 stars; one submission).

Conditions:
Inborn genetic diseases. Identifiers: MedGen C0950123, MeSH D030342.

Submission:

Ambry Genetics
Classification: Uncertain significance for Inborn genetic diseases. Last evaluated: 2025-12-01. Review status: criteria provided, single submitter. Criteria: Ambry Variant Classification Scheme 2023. Collection method: clinical testing. Allele origin: germline.
Comment: The p.A90T variant (also known as c.268G>A), located in coding exon 3 of the CEP57 gene, results from a G to A substitution at nucleotide position 268. The alanine at codon 90 is replaced by threonine, an amino acid with similar properties. This amino acid position is conserved. In addition, this alteration is predicted to be deleterious by in silico analysis. Based on the available evidence, the clinical significance of this variant remains unclear.

NM_014679.5(CEP57):c.268G>A (p.Ala90Thr)

Gene: CEP57 (centrosomal protein 57; plus strand). Cytogenetic location: 11q21.
Variant type: single nucleotide variant.
Coding change: c.268G>A on transcript NM_014679.5 (MANE Select); coding-DNA position 268, G replaced by A.
Protein change: p.Ala90Thr; replaces alanine 90 with threonine.
Molecular consequence: missense variant. On other transcripts: intron variant (3).
Genome position (GRCh38, 1-based): chr11:95,812,997, G>A. VCF-style: chr11-95812997-G-A. GRCh37 (hg19) VCF-style: chr11-95546161-G-A.
Other names: c.241G>A, p.Ala81Thr (NM_001243776.2); c.268G>A, p.Ala90Thr (NM_001243777.2, NM_001440871.1, NM_001440872.1 and 4 more transcripts); c.187G>A, p.Ala63Thr (NM_001363604.2, NM_001440869.1, NM_001440870.1 and 3 more transcripts); c.203-471G>A (NM_001440873.1, NM_001440881.1); c.122-471G>A (NM_001440880.1); short protein forms A81T, A63T, A90T.
Identifiers: ClinVar variation 4613718 (VCV004613718.1).
Genomic context (GRCh38, chr11:95,812,997, plus strand): 5'-TTTTCTGCTCTTAAGAATCTTCAAGATAAGATTCGACGCTTGGAACTTGAGAGGATTCAG[G>A]CAGAAGAAAGTGTGAAAACCTTGTCTAGAGAAACAATTGAATATAAGAAAGTACTGGATG-3'
Protein context (NP_055494.2, residues 80-100): IRRLELERIQ[Ala90Thr]EESVKTLSRE